The following is an entry in ClinVar:

ClinVar aggregate classification (germline): Uncertain significance (1 of 4 stars; one submission).

Conditions:
Benign recurrent intrahepatic cholestasis type 1. Also called: SUMMERSKILL SYNDROME; Mild-to-Moderate ATP8B1 Deficiency (Benign Recurrent Intrahepatic Cholestasis 1 [BRIC1]). Identifiers: Orphanet 65682, Orphanet 99960, MedGen C4551899, MONDO:0009469, OMIM 243300.

Allele frequency attached by ClinVar (database versions not stated): gnomAD exomes below 0.00001.
gnomAD v4.1: 4 of 1,614,206 alleles (0.00025%); highest among the groups gnomAD compares: South Asian, 0.0044%; no homozygotes.

Submission:

Neuberg Centre For Genomic Medicine, NCGM
Classification: Uncertain significance for Benign recurrent intrahepatic cholestasis type 1. Review status: criteria provided, single submitter. Criteria: ACMG Guidelines, 2015. Collection method: clinical testing. Allele origin: germline. Inheritance: Autosomal recessive inheritance. Affected: yes.
Comment: The missense c.3269T>C p.Leu1090Ser variant in ATP8B1 gene has not been reported previously as a pathogenic variant nor as a benign variant, to our knowledge. The p.Leu1090Ser variant is novel not in any individuals in both gnomAD Exomes and 1000 Genomes databases. This variant has not been reported to the ClinVar database. The amino acid change p.Leu1090Ser in ATP8B1 is predicted as conserved by GERP++ and PhyloP across 100 vertebrates. The amino acid Leu at position 1090 is changed to a Ser changing protein sequence and it might alter its composition and physico-chemical properties. For these reasons, this variant has been classified as a Variant of Uncertain Significance VUS. In the absence of another reportable variant in the ATP8B1 gene, the molecular diagnosis is not confirmed.

NM_001374385.1(ATP8B1):c.3269T>C (p.Leu1090Ser)

Genes: ATP8B1-AS1 (ATP8B1 antisense RNA 1; plus strand), ATP8B1 (ATPase phospholipid transporting 8B1; minus strand). Cytogenetic location: 18q21.31.
Variant type: single nucleotide variant.
Coding change: c.3269T>C on transcript NM_001374385.1 (MANE Select); coding-DNA position 3269, T replaced by C.
Protein change: p.Leu1090Ser; replaces leucine 1090 with serine.
Molecular consequence: missense variant.
Genome position (GRCh38, 1-based): chr18:57,652,165, A>G on the plus strand (T>C on the coding strand, the complement: ATP8B1 is on the minus strand). VCF-style: chr18-57652165-A-G. GRCh37 (hg19) VCF-style: chr18-55319397-A-G.
Other names: c.3119T>C, p.Leu1040Ser (NM_001374386.1); c.3269T>C, p.Leu1090Ser (NM_005603.6); short protein forms L1040S, L1090S.
Identifiers: ClinVar variation 3235024 (VCV003235024.1), dbSNP rs2511617248, ClinGen allele CA402543224.